The following is an entry in ClinVar:

NM_001036.6(RYR3):c.11097G>A (p.Glu3699=)

Gene: RYR3 (ryanodine receptor 3; plus strand). Cytogenetic location: 15q14.
Variant type: single nucleotide variant.
Coding change: c.11097G>A on transcript NM_001036.6 (MANE Select); coding-DNA position 11097, G replaced by A.
Protein change: p.Glu3699=; no amino-acid change (glutamic acid 3699 retained).
Molecular consequence: synonymous variant.
Genome position (GRCh38, 1-based): chr15:33,825,627, G>A. VCF-style: chr15-33825627-G-A. GRCh37 (hg19) VCF-style: chr15-34117828-G-A.
Other names: c.11082G>A, p.Glu3694= (NM_001243996.4).
Identifiers: ClinVar variation 1084807 (VCV001084807.13), dbSNP rs765557026, ClinGen allele CA7461126.

ClinVar aggregate classification (germline): Likely benign. Review status: criteria provided, multiple submitters, no conflicts (2 of 4 stars). 2 submissions from 2 submitters: Likely benign (2). Last evaluated 2026-03-01.

Conditions:
Epileptic encephalopathy. Identifiers: MedGen C0543888, HP:0200134.

Allele frequency attached by ClinVar (database versions not stated): gnomAD exomes 0.00004 and 0.00006; ExAC 0.00005; TOPMed 0.00005; gnomAD 0.00006 and 0.00007.
gnomAD v4.1: 105 of 1,610,792 alleles (0.0065%); highest among the groups gnomAD compares: Non-Finnish European, 0.0084%; no homozygotes.

Submissions (2):

CeGaT Center for Human Genetics Tuebingen
Classification: Likely benign. Last evaluated: 2026-03-01. Review status: criteria provided, single submitter. Criteria: CeGaT Center For Human Genetics Tuebingen Variant Classification Criteria Version 2. Collection method: clinical testing. Allele origin: germline. Affected: yes. Observed: 1 variant allele.
Comment: RYR3: BP4, BP7

Labcorp Genetics (formerly Invitae), Labcorp
Classification: Likely benign for Epileptic encephalopathy. Last evaluated: 2024-02-23. Review status: criteria provided, single submitter. Criteria: Invitae Variant Classification Sherloc (09022015). Collection method: clinical testing. Allele origin: germline.